The following is an entry in ClinVar:

NM_020975.6(RET):c.3302T>C (p.Leu1101Pro)

Gene: RET (ret proto-oncogene; plus strand). Cytogenetic location: 10q11.21.
Variant type: single nucleotide variant.
Coding change: c.3302T>C on transcript NM_020975.6 (MANE Select); coding-DNA position 3302, T replaced by C.
Protein change: p.Leu1101Pro; replaces leucine 1101 with proline.
Molecular consequence: missense variant.
Genome position (GRCh38, 1-based): chr10:43,128,226, T>C. VCF-style: chr10-43128226-T-C. GRCh37 (hg19) VCF-style: chr10-43623674-T-C.
Other names: c.3302T>C, p.Leu1101Pro (NM_000323.2, NM_001406743.1); c.*1472T>C (NM_001355216.2, NM_001406764.1, NM_001406765.1 and 15 more transcripts); c.3242T>C, p.Leu1081Pro (NM_001406759.1, NM_001406760.1); c.3173T>C, p.Leu1058Pro (NM_001406761.1, NM_001406762.1); c.3167T>C, p.Leu1056Pro (NM_001406763.1); c.3014T>C, p.Leu1005Pro (NM_001406766.1, NM_001406767.1); c.2906T>C, p.Leu969Pro (NM_001406769.1); c.2864T>C, p.Leu955Pro (NM_001406771.1); and 7 more; short protein forms L1101P, L618P, L759P, L839P, L1056P, L955P, L1081P, L598P.
Identifiers: ClinVar variation 1961265 (VCV001961265.8), dbSNP rs769570496, ClinGen allele CA055038.

ClinVar aggregate classification (germline): Uncertain significance. Review status: criteria provided, multiple submitters, no conflicts (2 of 4 stars). 3 submissions from 3 submitters: Uncertain significance (3). Last evaluated 2024-02-22.

Conditions:
Hereditary cancer-predisposing syndrome. Also called: Hereditary Cancer Syndrome; Hereditary neoplastic syndrome; Tumor predisposition; Neoplastic Syndromes, Hereditary. Identifiers: Orphanet 140162, MedGen C0027672, MeSH D009386, MONDO:0015356.
Multiple endocrine neoplasia, type 2 (MEN2). Identifiers: Orphanet 653, MedGen C4048306, MONDO:0019003. Disease mechanism: gain of function.

Allele frequency attached by ClinVar (database versions not stated): gnomAD exomes below 0.00001; ExAC 0.00001.
gnomAD v4.1: 2 of 1,614,220 alleles (0.00012%); highest among the groups gnomAD compares: South Asian, 0.0011%; no homozygotes.

Submissions (3):

All of Us Research Program, National Institutes of Health
Classification: Uncertain significance for Multiple endocrine neoplasia, type 2. Last evaluated: 2024-02-22. Review status: criteria provided, single submitter. Criteria: ACMG Guidelines, 2015. Collection method: clinical testing. Allele origin: germline. Inheritance: Autosomal dominant inheritance. Observed: 1 variant allele, 1 heterozygote.
Comment: This missense variant replaces leucine with proline at codon 1101 of the RET protein. Computational prediction suggests that this variant may not impact protein structure and function (internally defined REVEL score threshold <= 0.5, PMID: 27666373). To our knowledge, functional studies have not been reported for this variant. This variant has not been reported in individuals affected with RET-related disorders in the literature. This variant has been identified in 1/251496 chromosomes in the general population by the Genome Aggregation Database (gnomAD). The available evidence is insufficient to determine the role of this variant in disease conclusively. Therefore, this variant is classified as a Variant of Uncertain Significance.

This study involves interpretation of variants in research participants for the purpose of population health screening. Participant phenotype was not available at the time of variant classification. Additional details can be found in publication PMID: 35346344, PMCID: PMC8962531

Ambry Genetics
Classification: Uncertain significance for Hereditary cancer-predisposing syndrome. Last evaluated: 2023-06-08. Review status: criteria provided, single submitter. Criteria: Ambry Variant Classification Scheme 2023. Collection method: clinical testing. Allele origin: germline.
Comment: The p.L1101P variant (also known as c.3302T>C), located in coding exon 20 of the RET gene, results from a T to C substitution at nucleotide position 3302. The leucine at codon 1101 is replaced by proline, an amino acid with similar properties. This amino acid position is conserved. In addition, this alteration is predicted to be tolerated by in silico analysis. Since supporting evidence is limited at this time, the clinical significance of this alteration remains unclear.

Labcorp Genetics (formerly Invitae), Labcorp
Classification: Uncertain significance for Multiple endocrine neoplasia, type 2. Last evaluated: 2022-09-30. Review status: criteria provided, single submitter. Criteria: Invitae Variant Classification Sherloc (09022015). Collection method: clinical testing. Allele origin: germline.
Comment: In summary, the available evidence is currently insufficient to determine the role of this variant in disease. Therefore, it has been classified as a Variant of Uncertain Significance. Algorithms developed to predict the effect of missense changes on protein structure and function (SIFT, PolyPhen-2, Align-GVGD) all suggest that this variant is likely to be tolerated. This variant has not been reported in the literature in individuals affected with RET-related conditions. This variant is present in population databases (rs769570496, gnomAD 0.0009%). This sequence change replaces leucine, which is neutral and non-polar, with proline, which is neutral and non-polar, at codon 1101 of the RET protein (p.Leu1101Pro).